The following is an entry in ClinVar:

NM_003235.5(TG):c.2184G>A (p.Thr728=)

Gene: TG (thyroglobulin; plus strand). Cytogenetic location: 8q24.22.
Variant type: single nucleotide variant.
Coding change: c.2184G>A on transcript NM_003235.5 (MANE Select); coding-DNA position 2184, G replaced by A.
Protein change: p.Thr728=; no amino-acid change (threonine 728 retained).
Molecular consequence: synonymous variant.
Genome position (GRCh38, 1-based): chr8:132,887,991, G>A. VCF-style: chr8-132887991-G-A. GRCh37 (hg19) VCF-style: chr8-133900236-G-A.
Identifiers: ClinVar variation 762065 (VCV000762065.8), dbSNP rs745749489, ClinGen allele CA4883346.

ClinVar aggregate classification (germline): Likely benign. Review status: criteria provided, single submitter (1 of 4 stars). 2 submissions from 2 submitters: Likely benign (1). 1 of the submissions does not count toward it. Last evaluated 2026-01-26.

Conditions:
TG-related disorder. Also called: TG-related disorders; TG-related condition.

Allele frequency attached by ClinVar (database versions not stated): ExAC 0.00002; gnomAD 0.00003 and 0.00004; TOPMed 0.00003; gnomAD exomes 0.00004 and 0.00009.
gnomAD v4.1: 140 of 1,613,268 alleles (0.0087%); highest among the groups gnomAD compares: Non-Finnish European, 0.011%; no homozygotes.

Submissions (2):

Labcorp Genetics (formerly Invitae), Labcorp
Classification: Likely benign. Last evaluated: 2026-01-26. Review status: criteria provided, single submitter. Criteria: Invitae Variant Classification Sherloc (09022015). Collection method: clinical testing. Allele origin: germline.

PreventionGenetics, part of Exact Sciences
Classification: Likely benign for TG-related condition. Last evaluated: 2023-10-17. Review status: no assertion criteria provided. Collection method: clinical testing. Allele origin: germline. Not counted in ClinVar's aggregate classification.
Comment: This variant is classified as likely benign based on ACMG/AMP sequence variant interpretation guidelines (Richards et al. 2015 PMID: 25741868, with internal and published modifications).